The following is an entry in ClinVar:

NM_000059.4(BRCA2):c.920G>T (p.Ser307Ile)

Gene: BRCA2 (BRCA2 DNA repair associated; plus strand). Cytogenetic location: 13q13.1.
Variant type: single nucleotide variant.
Coding change: c.920G>T on transcript NM_000059.4 (MANE Select); coding-DNA position 920, G replaced by T.
Protein change: p.Ser307Ile; replaces serine 307 with isoleucine.
Molecular consequence: missense variant.
Genome position (GRCh38, 1-based): chr13:32,332,398, G>T. VCF-style: chr13-32332398-G-T. GRCh37 (hg19) VCF-style: chr13-32906535-G-T.
Other names: c.920G>T, p.Ser307Ile (NM_001406719.1, NM_001406720.1, NM_001406721.1); short protein forms S307I.
Identifiers: ClinVar variation 1766202 (VCV001766202.4), dbSNP rs2548519116, ClinGen allele CA387760733.
Genomic context (GRCh38, chr13:32,332,398, plus strand): 5'-TGCCAAATGTCCTAGAAGATGAAGTATATGAAACAGTTGTAGATACCTCTGAAGAAGATA[G>T]TTTTTCATTATGTTTTTCTAAATGTAGAACAAAAAATCTACAAAAAGTAAGAACTAGCAA-3'
Protein context (NP_000050.3, residues 297-317): ETVVDTSEED[Ser307Ile]FSLCFSKCRT

ClinVar aggregate classification (germline): Conflicting classifications of pathogenicity. Review status: criteria provided, conflicting classifications (1 of 4 stars). 2 submissions from 2 submitters: Uncertain significance (1); Likely benign (1). Last evaluated 2023-03-23.

Conditions:
Hereditary cancer-predisposing syndrome. Also called: Neoplastic Syndromes, Hereditary; Tumor predisposition; Hereditary Cancer Syndrome; Hereditary neoplastic syndrome. Identifiers: Orphanet 140162, MedGen C0027672, MeSH D009386, MONDO:0015356.

Submissions (2):

University of Washington Department of Laboratory Medicine, University of Washington
Classification: Likely benign for Hereditary cancer-predisposing syndrome. Last evaluated: 2023-03-23. Review status: criteria provided, single submitter. Criteria: Dines et al. (Genet Med. 2020). Collection method: curation. Allele origin: germline.
Comment: Missense variant in a coldspot region where missense variants are very unlikely to be pathogenic (PMID:31911673).

BRCA2 exon 10 coldspot. Reclassification based on statistical prior probability.

Ambry Genetics
Classification: Uncertain significance for Hereditary cancer-predisposing syndrome. Last evaluated: 2021-12-11. Review status: criteria provided, single submitter. Criteria: Ambry Variant Classification Scheme 2023. Collection method: clinical testing. Allele origin: germline.
Comment: The p.S307I variant (also known as c.920G>T), located in coding exon 9 of the BRCA2 gene, results from a G to T substitution at nucleotide position 920. The serine at codon 307 is replaced by isoleucine, an amino acid with dissimilar properties. This amino acid position is conserved. In addition, this alteration is predicted to be tolerated by in silico analysis. Since supporting evidence is limited at this time, the clinical significance of this alteration remains unclear.